The following is an entry in ClinVar:

NM_006096.4(NDRG1):c.807+310T>C

Gene: NDRG1 (N-myc downstream regulated 1; minus strand). Cytogenetic location: 8q24.22.
Variant type: single nucleotide variant.
Coding change: c.807+310T>C on transcript NM_006096.4 (MANE Select); 310 bases into the intron after coding-DNA position 807, T replaced by C.
Molecular consequence: intron variant.
Genome position (GRCh38, 1-based): chr8:133,247,565, A>G on the plus strand (T>C on the coding strand, the complement: NDRG1 is on the minus strand). VCF-style: chr8-133247565-A-G. GRCh37 (hg19) VCF-style: chr8-134259808-A-G.
Other names: c.609+310T>C (NM_001258432.2, NM_001374847.1); c.564+310T>C (NM_001258433.2); c.858+310T>C (NM_001374844.1); c.807+310T>C (NM_001135242.2, NM_001374845.1, NM_001374846.1).
Identifiers: ClinVar variation 671680 (VCV000671680.1), dbSNP rs71526278, ClinGen allele CA12848548.

ClinVar aggregate classification (germline): Benign (1 of 4 stars; one submission).

Allele frequency attached by ClinVar (database versions not stated): 1000 Genomes Project 30x 0.05340; 1000 Genomes Project 0.05371; gnomAD 0.09789 and 0.10053; TOPMed 0.10070.
gnomAD v4.1: 15,039 of 152,304 alleles (9.9%); highest among the groups gnomAD compares: Non-Finnish European, 15%; 1,038 homozygotes.

Submission:

GeneDx
Classification: Benign. Last evaluated: 2018-06-19. Review status: criteria provided, single submitter. Criteria: GeneDx Variant Classification (06012015). Collection method: clinical testing. Allele origin: germline. Affected: yes.
Comment: This variant is considered likely benign or benign based on one or more of the following criteria: it is a conservative change, it occurs at a poorly conserved position in the protein, it is predicted to be benign by multiple in silico algorithms, and/or has population frequency not consistent with disease.